The following is an entry in ClinVar:

NM_006363.6(SEC23B):c.41G>A (p.Arg14Gln)

Gene: SEC23B (SEC23 homolog B, COPII component; plus strand). Cytogenetic location: 20p11.23.
Variant type: single nucleotide variant.
Coding change: c.41G>A on transcript NM_006363.6 (MANE Select); coding-DNA position 41, G replaced by A.
Protein change: p.Arg14Gln; replaces arginine 14 with glutamine.
Molecular consequence: missense variant.
Genome position (GRCh38, 1-based): chr20:18,510,876, G>A. VCF-style: chr20-18510876-G-A. GRCh37 (hg19) VCF-style: chr20-18491520-G-A.
Other names: c.41G>A, p.Arg14Gln (NM_001172745.3, NM_001172746.3, NM_032985.6 and 1 more transcripts); short protein forms R14Q.
Identifiers: ClinVar variation 4787639 (VCV004787639.1).

ClinVar aggregate classification (germline): Uncertain significance (1 of 4 stars; one submission).

Conditions:
Congenital dyserythropoietic anemia, type II (CDAN2). Also called: DYSERYTHROPOIETIC ANEMIA, HEMPAS TYPE. Identifiers: Orphanet 98873, MedGen C1306589, MONDO:0009134, OMIM 224100.
Cowden syndrome 7 (CWS7). Identifiers: Orphanet 201, MedGen C4225179, MONDO:0014802, OMIM 616858.

Submission:

Labcorp Genetics (formerly Invitae), Labcorp
Classification: Uncertain significance for Congenital dyserythropoietic anemia, type II; Cowden syndrome 7. Last evaluated: 2025-05-21. Review status: criteria provided, single submitter. Criteria: Invitae Variant Classification Sherloc (09022015). Collection method: clinical testing. Allele origin: germline.
Comment: This sequence change replaces arginine, which is basic and polar, with glutamine, which is neutral and polar, at codon 14 of the SEC23B protein (p.Arg14Gln). This variant is present in population databases (rs372080875, gnomAD 0.01%). This variant has not been reported in the literature in individuals affected with SEC23B-related conditions. Invitae Evidence Modeling of protein sequence and biophysical properties (such as structural, functional, and spatial information, amino acid conservation, physicochemical variation, residue mobility, and thermodynamic stability) indicates that this missense variant is not expected to disrupt SEC23B protein function with a negative predictive value of 95%. This variant disrupts the p.Arg14 amino acid residue in SEC23B. Other variant(s) that disrupt this residue have been determined to be pathogenic (PMID: 19561605, 19621418, 20015893, 21850656). This suggests that this residue is clinically significant, and that variants that disrupt this residue are likely to be disease-causing. In summary, the available evidence is currently insufficient to determine the role of this variant in disease. Therefore, it has been classified as a Variant of Uncertain Significance.

Literature cited by the submitters: PubMed 19561605; PubMed 19621418; PubMed 20015893; PubMed 21850656.